The following is an entry in ClinVar:

NM_006662.3(SRCAP):c.3559A>G (p.Ile1187Val)

Gene: SRCAP (Snf2 related CREBBP activator protein; plus strand). Cytogenetic location: 16p11.2.
Variant type: single nucleotide variant.
Coding change: c.3559A>G on transcript NM_006662.3 (MANE Select); coding-DNA position 3559, A replaced by G.
Protein change: p.Ile1187Val; replaces isoleucine 1187 with valine.
Molecular consequence: missense variant.
Genome position (GRCh38, 1-based): chr16:30,722,139, A>G. VCF-style: chr16-30722139-A-G. GRCh37 (hg19) VCF-style: chr16-30733460-A-G.
Other names: short protein forms I1187V.
Identifiers: ClinVar variation 4847074 (VCV004847074.1).

ClinVar aggregate classification (germline): Uncertain significance (1 of 4 stars; one submission).

gnomAD v4.1: 6 of 1,614,004 alleles (0.00037%); highest among the groups gnomAD compares: African/African-American, 0.0053%; no homozygotes.

Submission:

Women's Health and Genetics/Laboratory Corporation of America, LabCorp
Classification: Uncertain significance. Last evaluated: 2026-03-19. Review status: criteria provided, single submitter. Criteria: LabCorp Variant Classification Summary - May 2015. Collection method: clinical testing. Allele origin: germline.
Comment: Variant summary: SRCAP c.3559A>G (p.Ile1187Val) results in a conservative amino acid change in the encoded protein sequence. Algorithms developed to predict the effect of missense changes on protein structure and function are either unavailable or do not agree on the potential impact of this missense change. The variant was absent in 251214 control chromosomes. The available data on variant occurrences in the general population are insufficient to allow any conclusion about variant significance. To our knowledge, no occurrence of c.3559A>G in individuals affected with SRCAP-related conditions and no experimental evidence demonstrating its impact on protein function have been reported. No submitters have cited clinical-significance assessments for this variant to ClinVar. Based on the evidence outlined above, the variant was classified as uncertain significance.